The following is an entry in ClinVar:

ClinVar aggregate classification (germline): Uncertain significance (1 of 4 stars; one submission).

Allele frequency attached by ClinVar (database versions not stated): gnomAD 0.00001; gnomAD exomes 0.00001; TOPMed 0.00001.
gnomAD v4.1: 5 of 1,614,044 alleles (0.00031%); highest among the groups gnomAD compares: Admixed American, 0.0067%; no homozygotes.

Submission:

Ambry Genetics
Classification: Uncertain significance. Last evaluated: 2024-03-27. Review status: criteria provided, single submitter. Criteria: Ambry Variant Classification Scheme 2023. Collection method: clinical testing. Allele origin: germline.
Comment: The p.A800T variant (also known as c.2398G>A), located in coding exon 4 of the ALPK2 gene, results from a G to A substitution at nucleotide position 2398. The alanine at codon 800 is replaced by threonine, an amino acid with similar properties. This amino acid position is conserved. In addition, this alteration is predicted to be tolerated by in silico analysis. Since supporting evidence is limited at this time, the clinical significance of this alteration remains unclear.

NM_052947.4(ALPK2):c.2398G>A (p.Ala800Thr)

Gene: ALPK2 (alpha kinase 2; minus strand). Cytogenetic location: 18q21.31.
Variant type: single nucleotide variant.
Coding change: c.2398G>A on transcript NM_052947.4 (MANE Select); coding-DNA position 2398, G replaced by A.
Protein change: p.Ala800Thr; replaces alanine 800 with threonine.
Molecular consequence: missense variant.
Genome position (GRCh38, 1-based): chr18:58,537,789, C>T on the plus strand (G>A on the coding strand, the complement: ALPK2 is on the minus strand). VCF-style: chr18-58537789-C-T. GRCh37 (hg19) VCF-style: chr18-56205021-C-T.
Other names: short protein forms A800T.
Identifiers: ClinVar variation 1790650 (VCV001790650.2), dbSNP rs1256444108, ClinGen allele CA402570820.